The following is an entry in ClinVar:

ClinVar aggregate classification (germline): Uncertain significance (1 of 4 stars; one submission).

Conditions:
Ataxia-telangiectasia syndrome (AT). Also called: Cerebello-oculocutaneous telangiectasia; Immunodeficiency with ataxia telangiectasia; Ataxia-telangiectasia, complementation group E; Ataxia-telangiectasia, complementation group D; AT, COMPLEMENTATION GROUP C; ATAXIA-TELANGIECTASIA, COMPLEMENTATION GROUP A. Identifiers: Orphanet 100, MedGen C0004135, MONDO:0008840, OMIM 208900.

Submission:

Labcorp Genetics (formerly Invitae), Labcorp
Classification: Uncertain significance for Ataxia-telangiectasia syndrome. Last evaluated: 2018-05-07. Review status: criteria provided, single submitter. Criteria: Invitae Variant Classification Sherloc (09022015). Collection method: clinical testing. Allele origin: germline.
Comment: In summary, the available evidence is currently insufficient to determine the role of this variant in disease. Therefore, it has been classified as a Variant of Uncertain Significance. Algorithms developed to predict the effect of missense changes on protein structure and function (SIFT, PolyPhen-2, Align-GVGD) all suggest that this variant is likely to be disruptive, but these predictions have not been confirmed by published functional studies and their clinical significance is uncertain. This variant has not been reported in the literature in individuals with ATM-related disease. This variant is not present in population databases (ExAC no frequency). This sequence change replaces cysteine with serine at codon 2824 of the ATM protein (p.Cys2824Ser). The cysteine residue is highly conserved and there is a moderate physicochemical difference between cysteine and serine.

NM_000051.4(ATM):c.8471G>C (p.Cys2824Ser)

Genes: C11orf65 (chromosome 11 open reading frame 65; minus strand), ATM (ATM serine/threonine kinase; plus strand). Cytogenetic location: 11q22.3.
Variant type: single nucleotide variant.
Coding change: c.8471G>C on transcript NM_000051.4 (MANE Select); coding-DNA position 8471, G replaced by C.
Protein change: p.Cys2824Ser; replaces cysteine 2824 with serine.
Molecular consequence: missense variant. On other transcripts: intron variant (2).
Genome position (GRCh38, 1-based): chr11:108,345,795, G>C. VCF-style: chr11-108345795-G-C. GRCh37 (hg19) VCF-style: chr11-108216522-G-C.
Other names: c.8471G>C, p.Cys2824Ser (NM_001351834.2); c.641-36724C>G (NM_001330368.2); c.695-10503C>G (NM_001351110.2); short protein forms C2824S.
Identifiers: ClinVar variation 575816 (VCV000575816.9), dbSNP rs876660927, ClinGen allele CA382517993.